The following is an entry in ClinVar:

ClinVar aggregate classification (germline): Likely pathogenic (1 of 4 stars; one submission).

Submission:

Labcorp Genetics (formerly Invitae), Labcorp
Classification: Likely pathogenic. Last evaluated: 2022-05-12. Review status: criteria provided, single submitter. Criteria: Invitae Variant Classification Sherloc (09022015). Collection method: clinical testing. Allele origin: germline.
Comment: This variant has not been reported in the literature in individuals affected with POLE-related conditions. This variant results in the deletion of exons 33-37 and part of exon 38 (c.4150-1151_4979del) of the POLE gene. It is expected to disrupt RNA splicing. Variants that disrupt the donor or acceptor splice site typically lead to a loss of protein function (PMID: 16199547), and loss-of-function variants in POLE are known to be pathogenic (PMID: 23230001, 25948378, 30503519). In summary, the currently available evidence indicates that the variant is pathogenic, but additional data are needed to prove that conclusively. Therefore, this variant has been classified as Likely Pathogenic.

Literature cited by the submitters: PubMed 16199547; PubMed 23230001; PubMed 25948378; PubMed 30503519.

NC_000012.11:g.(?_133218957)_(133221714_?)del

Gene: POLE (DNA polymerase epsilon, catalytic subunit; minus strand). Cytogenetic location: 12q24.33.
Variant type: Deletion.
Identifiers: ClinVar variation 1411505 (VCV001411505.5).